The following is an entry in ClinVar:

NM_000368.5(TSC1):c.1910A>G (p.Glu637Gly)

Gene: TSC1 (TSC complex subunit 1; minus strand). Cytogenetic location: 9q34.13.
Variant type: single nucleotide variant.
Coding change: c.1910A>G on transcript NM_000368.5 (MANE Select); coding-DNA position 1910, A replaced by G.
Protein change: p.Glu637Gly; replaces glutamic acid 637 with glycine.
Molecular consequence: missense variant. On other transcripts: non-coding transcript variant (5).
Genome position (GRCh38, 1-based): chr9:132,905,668, T>C on the plus strand (A>G on the coding strand, the complement: TSC1 is on the minus strand). VCF-style: chr9-132905668-T-C. GRCh37 (hg19) VCF-style: chr9-135781055-T-C.
Other names: c.1907A>G, p.Glu636Gly (NM_001162426.2, NM_001406597.1, NM_001406598.1 and 6 more transcripts); c.1757A>G, p.Glu586Gly (NM_001162427.2, NM_001406610.1); c.1547A>G, p.Glu516Gly (NM_001362177.2, NM_001406614.1, NM_001406615.1 and 5 more transcripts); c.1910A>G, p.Glu637Gly (NM_001406592.1, NM_001406593.1, NM_001406594.1 and 7 more transcripts); c.1754A>G, p.Glu585Gly (NM_001406611.1, NM_001406612.1, NM_001406613.1); c.1544A>G, p.Glu515Gly (NM_001406620.1, NM_001406621.1, NM_001406622.1 and 2 more transcripts); c.959A>G, p.Glu320Gly (NM_001406626.1); c.956A>G, p.Glu319Gly (NM_001406627.1, NM_001406628.1); and 1 more; short protein forms E636G, E515G, E637G, E320G, E516G, E286G, E319G, E585G.
Identifiers: ClinVar variation 2562887 (VCV002562887.2), dbSNP rs2131813952, ClinGen allele CA375362740.

ClinVar aggregate classification (germline): Uncertain significance (1 of 4 stars; one submission).

Conditions:
Hereditary cancer-predisposing syndrome. Also called: Neoplastic Syndromes, Hereditary; Hereditary Cancer Syndrome; Hereditary neoplastic syndrome; Tumor predisposition. Identifiers: Orphanet 140162, MedGen C0027672, MeSH D009386, MONDO:0015356.

Submission:

Ambry Genetics
Classification: Uncertain significance for Hereditary cancer-predisposing syndrome. Last evaluated: 2023-05-04. Review status: criteria provided, single submitter. Criteria: Ambry Variant Classification Scheme 2023. Collection method: clinical testing. Allele origin: germline.
Comment: The p.E637G variant (also known as c.1910A>G), located in coding exon 13 of the TSC1 gene, results from an A to G substitution at nucleotide position 1910. The glutamic acid at codon 637 is replaced by glycine, an amino acid with similar properties. This amino acid position is conserved. In addition, the in silico prediction for this alteration is inconclusive. Since supporting evidence is limited at this time, the clinical significance of this alteration remains unclear.